The following is an entry in ClinVar:

ClinVar aggregate classification (germline): Uncertain significance (1 of 4 stars; one submission).

Conditions:
Epilepsy, X-linked 1, with variable learning disabilities and behavior disorders. Also called: X-linked epilepsy-learning disabilities-behavior disorders syndrome. Identifiers: Orphanet 85294, MedGen C5774177, MONDO:0010339, OMIM 300491.

Allele frequency attached by ClinVar (database versions not stated): gnomAD 0.00001; TOPMed 0.00002.
gnomAD v4.1: 1 of 1,187,110 alleles (0.000084%); highest among the groups gnomAD compares: African/African-American, 0.0018%; no homozygotes.

Submission:

Labcorp Genetics (formerly Invitae), Labcorp
Classification: Uncertain significance for Epilepsy, X-linked 1, with variable learning disabilities and behavior disorders. Last evaluated: 2023-03-11. Review status: criteria provided, single submitter. Criteria: Invitae Variant Classification Sherloc (09022015). Collection method: clinical testing. Allele origin: germline.
Comment: This variant has not been reported in the literature in individuals affected with SYN1-related conditions. This sequence change replaces serine, which is neutral and polar, with alanine, which is neutral and non-polar, at codon 62 of the SYN1 protein (p.Ser62Ala). This variant is not present in population databases (gnomAD no frequency). An algorithm developed to predict the effect of missense changes on protein structure and function (PolyPhen-2) suggests that this variant is likely to be tolerated. In summary, the available evidence is currently insufficient to determine the role of this variant in disease. Therefore, it has been classified as a Variant of Uncertain Significance. ClinVar contains an entry for this variant (Variation ID: 465094).

NM_006950.3(SYN1):c.184T>G (p.Ser62Ala)

Gene: SYN1 (synapsin I; minus strand). Cytogenetic location: Xp11.23.
Variant type: single nucleotide variant.
Coding change: c.184T>G on transcript NM_006950.3 (MANE Select); coding-DNA position 184, T replaced by G.
Protein change: p.Ser62Ala; replaces serine 62 with alanine.
Molecular consequence: missense variant.
Genome position (GRCh38, 1-based): chrX:47,619,545, A>C on the plus strand (T>G on the coding strand, the complement: SYN1 is on the minus strand). VCF-style: chrX-47619545-A-C. GRCh37 (hg19) VCF-style: chrX-47478944-A-C.
Other names: c.184T>G, p.Ser62Ala (NM_133499.2); short protein forms S62A.
Identifiers: ClinVar variation 465094 (VCV000465094.11), dbSNP rs1294224206, ClinGen allele CA412831956.